The following is an entry in ClinVar:

NM_001165963.4(SCN1A):c.3776T>C (p.Phe1259Ser)

Genes: SCN1A (sodium voltage-gated channel alpha subunit 1; minus strand), LOC102724058 (uncharacterized LOC102724058; plus strand). Cytogenetic location: 2q24.3.
Variant type: single nucleotide variant.
Coding change: c.3776T>C on transcript NM_001165963.4 (MANE Select); coding-DNA position 3776, T replaced by C.
Protein change: p.Phe1259Ser; replaces phenylalanine 1259 with serine.
Molecular consequence: missense variant. On other transcripts: non-coding transcript variant (1).
Genome position (GRCh38, 1-based): chr2:166,012,212, A>G on the plus strand (T>C on the coding strand, the complement: SCN1A is on the minus strand). VCF-style: chr2-166012212-A-G. GRCh37 (hg19) VCF-style: chr2-166868722-A-G.
Other names: p.F1259S:TTC>TCC; c.3692T>C, p.Phe1231Ser (NM_001165964.3, NM_001353957.2, NM_001353958.2); c.3776T>C, p.Phe1259Ser (NM_001202435.3, NM_001353948.2); c.3743T>C, p.Phe1248Ser (NM_001353949.2, NM_001353950.2, NM_001353951.2 and 2 more transcripts); c.3740T>C, p.Phe1247Ser (NM_001353954.2, NM_001353955.2); c.3689T>C, p.Phe1230Ser (NM_001353960.2); c.1334T>C, p.Phe445Ser (NM_001353961.2); short protein forms F1248S, F1259S, F1231S, F1230S, F445S, F1247S.
Identifiers: ClinVar variation 93645 (VCV000093645.25), dbSNP rs398123591, ClinGen allele CA285448.
Genomic context (GRCh38, chr2:166,012,212, plus strand): 5'-TATGTTTGATAGCCATATGCCACCCATTTTAGAAGCATTTCCAGAATGAAAATGTAAGTG[A>G]AAACCTTGTCAGCATATTCCAACATCGTCTTAATCGTCTTTCGCTGATCAATATATATAT-3'
Protein context (NP_001159435.1, residues 1249-1269): KTMLEYADKV[Phe1259Ser]TYIFILEMLL

ClinVar aggregate classification (germline): Conflicting classifications of pathogenicity. Review status: criteria provided, conflicting classifications (1 of 4 stars). 6 submissions from 6 submitters: Pathogenic (1); Likely pathogenic (2); Uncertain significance (3). Last evaluated 2025-10-24.

Conditions:
Inborn genetic diseases. Identifiers: MedGen C0950123, MeSH D030342.
Early-infantile DEE. Also called: Early infantile epileptic encephalopathy with suppression bursts; Ohtahara syndrome; Early infantile epileptic encephalopathy. Identifiers: Orphanet 1934, MedGen C0393706, MONDO:0800491.

Allele frequency attached by ClinVar (database versions not stated): gnomAD exomes 0.00001.
gnomAD v4.1: 1 of 1,610,548 alleles (0.000062%); no homozygotes.

Submissions (6):

Labcorp Genetics (formerly Invitae), Labcorp
Classification: Pathogenic for Early-infantile DEE. Last evaluated: 2025-10-24. Review status: criteria provided, single submitter. Criteria: Invitae Variant Classification Sherloc (09022015). Collection method: clinical testing. Allele origin: germline.
Comment: This sequence change replaces phenylalanine, which is neutral and non-polar, with serine, which is neutral and polar, at codon 1259 of the SCN1A protein (p.Phe1259Ser). This variant is present in population databases (rs398123591, gnomAD 0.0009%). This missense change has been observed in individuals with autosomal dominant SCN1A-related conditions (PMID: 29655203; internal data). ClinVar contains an entry for this variant (Variation ID: 93645). Invitae Evidence Modeling of protein sequence and biophysical properties (such as structural, functional, and spatial information, amino acid conservation, physicochemical variation, residue mobility, and thermodynamic stability) indicates that this missense variant is expected to disrupt SCN1A protein function with a positive predictive value of 95%. For these reasons, this variant has been classified as Pathogenic.

GeneDx
Classification: Likely pathogenic. Last evaluated: 2025-09-19. Review status: criteria provided, single submitter. Criteria: GeneDx Variant Classification Process June 2021. Collection method: clinical testing. Allele origin: germline. Affected: yes.
Comment: Identified in multiple unrelated individuals with seizures referred for genetic testing at GeneDx (PMID: 29655203); Not observed at significant frequency in large population cohorts (gnomAD); In silico analysis supports that this missense variant has a deleterious effect on protein structure/function; This substitution is predicted to be within the transmembrane segment S2 of the third homologous domain; This variant is associated with the following publications: (PMID: 29655203, 32347949)

Women's Health and Genetics/Laboratory Corporation of America, LabCorp
Classification: Uncertain significance. Last evaluated: 2023-02-15. Review status: criteria provided, single submitter. Criteria: LabCorp Variant Classification Summary - May 2015. Collection method: clinical testing. Allele origin: germline.
Comment: Variant summary: SCN1A c.3776T>C (p.Phe1259Ser) results in a non-conservative amino acid change located in the ion transport domain (IPR005821) of the encoded protein sequence. Five of five in-silico tools predict a damaging effect of the variant on protein function. The variant allele was found at a frequency of 8e-06 in 249954 control chromosomes (gnomAD). The available data on variant occurrences in the general population are insufficient to allow any conclusion about variant significance. c.3776T>C has been reported in the literature in at least one individual affected with epilepsy (Lindy_2018). These data do not allow any conclusion about variant significance. To our knowledge, no experimental evidence demonstrating an impact on protein function has been reported. Four clinical diagnostic laboratories have submitted clinical-significance assessments for this variant to ClinVar after 2014 and classified the variant as pathogenic (n=1)/likely pathogenic (n=2), or VUS (n=1). Based on the evidence outlined above, the variant was classified as uncertain significance.

Ambry Genetics
Classification: Uncertain significance for Inborn genetic diseases. Last evaluated: 2018-02-07. Review status: criteria provided, single submitter. Criteria: Ambry Variant Classification Scheme 2023. Collection method: clinical testing. Allele origin: germline.
Comment: The p.F1259S variant (also known as c.3776T>C), located in coding exon 19 of the SCN1A gene, results from a T to C substitution at nucleotide position 3776. The phenylalanine at codon 1259 is replaced by serine, an amino acid with highly dissimilar properties. A different alteration located at the same position, p.F1259C, was detected in an individual with Dravet syndrome (Moehring J et al. Epilepsia, 2013 May;54:918-26). This amino acid position is highly conserved in available vertebrate species. In addition, this alteration is predicted to be deleterious by in silico analysis. Since supporting evidence is limited at this time, the clinical significance of this alteration remains unclear.

Genetic Services Laboratory, University of Chicago
Classification: Likely pathogenic. Last evaluated: 2017-07-27. Review status: criteria provided, single submitter. Criteria: ACMG Guidelines, 2015. Collection method: clinical testing. Allele origin: germline. Affected: yes.

Eurofins Ntd Llc (ga)
Classification: Uncertain significance. Last evaluated: 2013-09-10. Review status: criteria provided, single submitter. Criteria: EGL Classification Definitions 2015. Collection method: clinical testing. Allele origin: germline. Observed: 1 variant allele, 1 heterozygote.

Literature cited by the submitters: PubMed 29655203 (cited by Labcorp Genetics (formerly Invitae), Labcorp and Women's Health and Genetics/Laboratory Corporation of America, LabCorp); PubMed 23398550 (cited by Ambry Genetics).